The following is an entry in ClinVar:

ClinVar aggregate classification (germline): Likely pathogenic. Review status: criteria provided, multiple submitters, no conflicts (2 of 4 stars). 2 submissions from 2 submitters: Likely pathogenic (2). Last evaluated 2022-11-28.

Conditions:
SAG-related disorder. Also called: SAG-related condition; SAG-related disorders.

Allele frequency attached by ClinVar (database versions not stated): gnomAD 0.00001; gnomAD exomes 0.00001; ExAC 0.00002.
gnomAD v4.1: 7 of 1,613,198 alleles (0.00043%); highest among the groups gnomAD compares: Admixed American, 0.0083%; no homozygotes.

Submissions (2):

Labcorp Genetics (formerly Invitae), Labcorp
Classification: Likely pathogenic. Last evaluated: 2022-11-28. Review status: criteria provided, single submitter. Criteria: Invitae Variant Classification Sherloc (09022015). Collection method: clinical testing. Allele origin: germline.
Comment: This sequence change affects an acceptor splice site in intron 6 of the SAG gene. It is expected to disrupt RNA splicing. Variants that disrupt the donor or acceptor splice site typically lead to a loss of protein function (PMID: 16199547), and loss-of-function variants in SAG are known to be pathogenic (PMID: 9452120, 15234147, 22665972). This variant is present in population databases (rs779364622, gnomAD 0.01%). This variant has not been reported in the literature in individuals affected with SAG-related conditions. Algorithms developed to predict the effect of sequence changes on RNA splicing suggest that this variant may disrupt the consensus splice site. In summary, the currently available evidence indicates that the variant is pathogenic, but additional data are needed to prove that conclusively. Therefore, this variant has been classified as Likely Pathogenic.

Blueprint Genetics
Classification: Likely pathogenic for SAG-related disorders. Last evaluated: 2019-08-15. Review status: criteria provided, single submitter. Criteria: ACMG Guidelines, 2015. Collection method: clinical testing. Allele origin: germline. Affected: yes. Observed: 1 variant allele.

Literature cited by the submitters: PubMed 16199547 (cited by Labcorp Genetics (formerly Invitae), Labcorp); PubMed 9452120 (cited by Labcorp Genetics (formerly Invitae), Labcorp); PubMed 15234147 (cited by Labcorp Genetics (formerly Invitae), Labcorp); PubMed 22665972 (cited by Labcorp Genetics (formerly Invitae), Labcorp).

NM_000541.5(SAG):c.436-2A>G

Gene: SAG (S-antigen visual arrestin; plus strand). Cytogenetic location: 2q37.1.
Variant type: single nucleotide variant.
Coding change: c.436-2A>G on transcript NM_000541.5 (MANE Select); the canonical splice acceptor site of the intron before coding-DNA position 436, A replaced by G.
Molecular consequence: splice acceptor variant.
Genome position (GRCh38, 1-based): chr2:233,327,119, A>G. VCF-style: chr2-233327119-A-G. GRCh37 (hg19) VCF-style: chr2-234235765-A-G.
Identifiers: ClinVar variation 2165033 (VCV002165033.5), dbSNP rs779364622, ClinGen allele CA2174380.